The following is an entry in ClinVar:

ClinVar aggregate classification (germline): Uncertain significance. Review status: criteria provided, multiple submitters, no conflicts (2 of 4 stars). 2 submissions from 2 submitters: Uncertain significance (2). Last evaluated 2022-06-13.

Conditions:
Bardet-Biedl syndrome 20. Identifiers: MedGen C4310707, MONDO:0023670, OMIM 619471, MONDO:0014926.
Short-rib thoracic dysplasia 10 with or without polydactyly (SRTD10). Identifiers: Orphanet 474, MedGen C3810175, MONDO:0014284, OMIM 615630.
Retinitis pigmentosa 71 (RP71). Identifiers: Orphanet 791, MedGen C4225342, MONDO:0014618, OMIM 616394.

Allele frequency attached by ClinVar (database versions not stated): gnomAD 0.00001; TOPMed 0.00001.
gnomAD v4.1: 2 of 1,614,048 alleles (0.00012%); highest among the groups gnomAD compares: African/African-American, 0.0027%; no homozygotes.

Submissions (2):

Labcorp Genetics (formerly Invitae), Labcorp
Classification: Uncertain significance for Retinitis pigmentosa 71; Short-rib thoracic dysplasia 10 with or without polydactyly. Last evaluated: 2022-06-13. Review status: criteria provided, single submitter. Criteria: Invitae Variant Classification Sherloc (09022015). Collection method: clinical testing. Allele origin: germline.
Comment: This sequence change replaces arginine, which is basic and polar, with threonine, which is neutral and polar, at codon 966 of the IFT172 protein (p.Arg966Thr). This variant is present in population databases (no rsID available, gnomAD 0.01%). This variant has not been reported in the literature in individuals affected with IFT172-related conditions. Algorithms developed to predict the effect of missense changes on protein structure and function (SIFT, PolyPhen-2, Align-GVGD) all suggest that this variant is likely to be tolerated. In summary, the available evidence is currently insufficient to determine the role of this variant in disease. Therefore, it has been classified as a Variant of Uncertain Significance.

Fulgent Genetics
Classification: Uncertain significance for Short-rib thoracic dysplasia 10 with or without polydactyly; Retinitis pigmentosa 71; Bardet-Biedl syndrome 20. Last evaluated: 2022-05-18. Review status: criteria provided, single submitter. Criteria: ACMG Guidelines, 2015. Collection method: clinical testing. Allele origin: unknown.

NM_015662.3(IFT172):c.2897G>C (p.Arg966Thr)

Gene: IFT172 (intraflagellar transport 172; minus strand). Cytogenetic location: 2p23.3.
Variant type: single nucleotide variant.
Coding change: c.2897G>C on transcript NM_015662.3 (MANE Select); coding-DNA position 2897, G replaced by C.
Protein change: p.Arg966Thr; replaces arginine 966 with threonine.
Molecular consequence: missense variant.
Genome position (GRCh38, 1-based): chr2:27,458,204, C>G on the plus strand (G>C on the coding strand, the complement: IFT172 is on the minus strand). VCF-style: chr2-27458204-C-G. GRCh37 (hg19) VCF-style: chr2-27681071-C-G.
Other names: short protein forms R966T.
Identifiers: ClinVar variation 1471010 (VCV001471010.4), dbSNP rs1009534874, ClinGen allele CA44494007.
Genomic context (GRCh38, chr2:27,458,204, plus strand): 5'-TTGCCCTGCTTCTCCATTTCCTGGGCCTGAGTGATGTATAGCACTGACACATCTTCTGGT[C>G]TCATGCATTTCATCGCCAGCTGTGGAGGCACAGAGGCAAGGCAGCCTCAGATCCAATTCC-3'
Protein context (NP_056477.1, residues 956-976): QAHKLAMKCM[Arg966Thr]PEDVSVLYIT